The following is an entry in ClinVar:

ClinVar aggregate classification (germline): Uncertain significance (1 of 4 stars; one submission).

Conditions:
Kabuki syndrome 2 (KABUK2). Also called: KDM6A-Related Kabuki Syndrome. Identifiers: Orphanet 2322, MedGen C3275495, MONDO:0010465, OMIM 300867.

gnomAD v4.1: 6 of 1,207,612 alleles (0.0005%); highest among the groups gnomAD compares: African/African-American, 0.011%; no homozygotes.

Submission:

Labcorp Genetics (formerly Invitae), Labcorp
Classification: Uncertain significance for Kabuki syndrome 2. Last evaluated: 2025-09-09. Review status: criteria provided, single submitter. Criteria: Invitae Variant Classification Sherloc (09022015). Collection method: clinical testing. Allele origin: germline.
Comment: This sequence change replaces lysine, which is basic and polar, with arginine, which is basic and polar, at codon 1293 of the KDM6A protein (p.Lys1293Arg). This variant is present in population databases (rs747536037, gnomAD 0.02%). This variant has not been reported in the literature in individuals affected with KDM6A-related conditions. An algorithm developed to predict the effect of missense changes on protein structure and function (PolyPhen-2) suggests that this variant is likely to be tolerated. In summary, the available evidence is currently insufficient to determine the role of this variant in disease. Therefore, it has been classified as a Variant of Uncertain Significance.

NM_001291415.2(KDM6A):c.4034A>G (p.Lys1345Arg)

Gene: KDM6A (lysine demethylase 6A; plus strand). Cytogenetic location: Xp11.3.
Variant type: single nucleotide variant.
Coding change: c.4034A>G on transcript NM_001291415.2 (MANE Select); coding-DNA position 4034, A replaced by G.
Protein change: p.Lys1345Arg; replaces lysine 1345 with arginine.
Molecular consequence: missense variant.
Genome position (GRCh38, 1-based): chrX:45,090,864, A>G. VCF-style: chrX-45090864-A-G. GRCh37 (hg19) VCF-style: chrX-44950109-A-G.
Other names: c.3899A>G, p.Lys1300Arg (NM_001291416.2, NM_001419811.1); c.3743A>G, p.Lys1248Arg (NM_001291417.2); c.3641A>G, p.Lys1214Arg (NM_001291418.2, NM_001419815.1); c.2990A>G, p.Lys997Arg (NM_001291421.2); c.3776A>G, p.Lys1259Arg (NM_001410742.1, NM_001419814.1); c.4034A>G, p.Lys1345Arg (NM_001419809.1); c.3932A>G, p.Lys1311Arg (NM_001419810.1, NM_001419813.1); c.3878A>G, p.Lys1293Arg (NM_001419812.1, NM_021140.4); short protein forms K1214R, K1248R, K1293R, K1300R, K1259R, K1311R, K1345R, K997R.
Identifiers: ClinVar variation 4762307 (VCV004762307.1).